The following is an entry in ClinVar:

NM_000059.4(BRCA2):c.8647C>T (p.Pro2883Ser)

Gene: BRCA2 (BRCA2 DNA repair associated; plus strand). Cytogenetic location: 13q13.1.
Variant type: single nucleotide variant.
Coding change: c.8647C>T on transcript NM_000059.4 (MANE Select); coding-DNA position 8647, C replaced by T.
Protein change: p.Pro2883Ser; replaces proline 2883 with serine.
Molecular consequence: missense variant.
Genome position (GRCh38, 1-based): chr13:32,376,684, C>T. VCF-style: chr13-32376684-C-T. GRCh37 (hg19) VCF-style: chr13-32950821-C-T.
Other names: p.Pro2883Ser; 8875C>T; short protein forms P2883S.
Identifiers: ClinVar variation 38175 (VCV000038175.30), dbSNP rs80359122, ClinGen allele CA025759.

ClinVar aggregate classification (germline): Conflicting classifications of pathogenicity. Review status: criteria provided, conflicting classifications (1 of 4 stars). 13 submissions from 13 submitters: Uncertain significance (2); Benign (1); Likely benign (6). 4 of the submissions do not count toward it. Last evaluated 2025-09-03.

Conditions:
Hereditary cancer-predisposing syndrome. Also called: Tumor predisposition; Neoplastic Syndromes, Hereditary; Hereditary neoplastic syndrome; Hereditary Cancer Syndrome. Identifiers: Orphanet 140162, MedGen C0027672, MeSH D009386, MONDO:0015356.
Hereditary breast ovarian cancer syndrome. Also called: Hereditary breast and ovarian cancer; Hereditary breast and ovarian cancer syndrome (HBOC); Hereditary breast and/or ovarian cancer syndrome; Breast and ovarian cancer; Hereditary breast and ovarian cancer syndrome; BRCA1- and BRCA2-Associated Hereditary Breast and Ovarian Cancer. Identifiers: Orphanet 145, MedGen C0677776, MeSH D061325, MONDO:0003582. Disease mechanism: loss of function.
Breast-ovarian cancer, familial, susceptibility to, 2 (BROVCA2). Also called: BRCA2 Hereditary Breast and Ovarian Cancer. Identifiers: Orphanet 145, MedGen C2675520, MONDO:0012933, OMIM 612555. Disease mechanism: loss of function.

Allele frequency attached by ClinVar (database versions not stated): ExAC 0.00001; gnomAD 0.00001; gnomAD exomes 0.00001; TOPMed 0.00003.
gnomAD v4.1: 10 of 1,613,894 alleles (0.00062%); highest among the groups gnomAD compares: African/African-American, 0.0027%; no homozygotes.

Submissions (13):

Labcorp Genetics (formerly Invitae), Labcorp
Classification: Likely benign for Hereditary breast ovarian cancer syndrome. Last evaluated: 2025-09-03. Review status: criteria provided, single submitter. Criteria: Invitae Variant Classification Sherloc (09022015). Collection method: clinical testing. Allele origin: germline.

Mayo Clinic Laboratories, Mayo Clinic
Classification: Uncertain significance. Last evaluated: 2025-08-24. Review status: criteria provided, single submitter. Criteria: ACMG Guidelines, 2015. Collection method: clinical testing. Allele origin: germline. Observed: 1 variant allele.
Comment: BP4

Quest Diagnostics Nichols Institute San Juan Capistrano
Classification: Likely benign. Last evaluated: 2025-08-19. Review status: criteria provided, single submitter. Criteria: Quest Diagnostics criteria. Collection method: clinical testing. Allele origin: unknown.

Women's Health and Genetics/Laboratory Corporation of America, LabCorp
Classification: Likely benign. Last evaluated: 2025-08-14. Review status: criteria provided, single submitter. Criteria: LabCorp Variant Classification Summary - May 2015. Collection method: clinical testing. Allele origin: germline.
Comment: Variant summary: BRCA2 c.8647C>T (p.Pro2883Ser) results in a non-conservative amino acid change in the encoded protein sequence. Algorithms developed to predict the effect of missense changes on protein structure and function are either unavailable or do not agree on the potential impact of this missense change. The variant allele was found at a frequency of 8e-06 in 251298 control chromosomes. The available data on variant occurrences in the general population are insufficient to allow any conclusion about variant significance. c.8647C>T has been observed in individual(s) affected with Breast Cancer (Borg_2010, Capanu_2011). These report(s) do not provide unequivocal conclusions about association of the variant with Hereditary Breast And Ovarian Cancer Syndrome. Co-occurrences with other pathogenic variant(s) have been reported in the BIC database (BRCA1 c.2722G>T, p.Glu908Ter; BRCA1 exon13ins6kb), providing supporting evidence for a benign role. One publication reports experimental evidence evaluating an impact on protein function, however, does not allow convincing conclusions about the variant effect (Acedo_2015, Biswas_2023). The following publications have been ascertained in the context of this evaluation (PMID: 25382762, 37922907, 20104584, 21520273, 19043619). ClinVar contains an entry for this variant (Variation ID: 38175). Based on the evidence outlined above, the variant was classified as likely benign.

Ambry Genetics
Classification: Benign for Hereditary cancer-predisposing syndrome. Last evaluated: 2025-05-19. Review status: criteria provided, single submitter. Criteria: Ambry Variant Classification Scheme 2023. Collection method: clinical testing. Allele origin: germline.

Sema4
Classification: Uncertain significance for Hereditary cancer-predisposing syndrome. Last evaluated: 2021-09-24. Review status: criteria provided, single submitter. Criteria: Sema4 Curation Guidelines. Collection method: curation. Allele origin: germline.
Comment: The BRCA2 c.8647C>T (p.P2883S) variant has been reported in heterozygosity in at least one individual with breast cancer (PMID: 20104584). It was observed in 2/113642 chromosomes in the Non-Finnish European subpopulation in the large and broad cohorts of the Genome Aggregation Database (PMID: 32461654). The variant has been reported in ClinVar (Variation ID: 38175). Functional studies have not been performed, and in silico predictions of the variant's effect on protein function are inconclusive. The evidence is insufficient to meet ACMG/AMP criteria for classifying the variant as benign or pathogenic. Thus, the clinical significance of this variant is currently uncertain.

GeneDx
Classification: Likely benign. Last evaluated: 2021-02-19. Review status: criteria provided, single submitter. Criteria: GeneDx Variant Classification Process June 2021. Collection method: clinical testing. Allele origin: germline. Affected: yes.
Comment: This variant is associated with the following publications: (PMID: 25382762, 20104584, 19043619, 21520273, 10923033)

Mendelics
Classification: Likely benign for Breast-ovarian cancer, familial, susceptibility to, 2. Last evaluated: 2019-05-28. Review status: criteria provided, single submitter. Criteria: Mendelics Assertion Criteria 2017. Collection method: clinical testing. Allele origin: unknown.

Color Diagnostics, LLC DBA Color Health
Classification: Likely benign for Hereditary cancer-predisposing syndrome. Last evaluated: 2017-05-17. Review status: criteria provided, single submitter. Criteria: ACMG Guidelines, 2015. Collection method: clinical testing. Allele origin: germline.

Sharing Clinical Reports Project (SCRP)
Classification: Likely benign for Breast-ovarian cancer, familial 2. Last evaluated: 2013-08-19. Review status: no assertion criteria provided. Collection method: clinical testing. Allele origin: germline. Not counted in ClinVar's aggregate classification.

Breast Cancer Information Core (BIC) (BRCA2)
Classification: Uncertain significance for Breast-ovarian cancer, familial 2. Last evaluated: 2004-02-20. Review status: no assertion criteria provided. Collection method: clinical testing. Allele origin: germline. Affected: yes. Observed: 3 variant alleles. Not counted in ClinVar's aggregate classification.

Clinical Genetics DNA and cytogenetics Diagnostics Lab, Erasmus MC, Erasmus Medical Center
Classification: Likely benign. Review status: no assertion criteria provided. Collection method: clinical testing. Allele origin: germline. Affected: yes. Study: VKGL Data-share Consensus. Not counted in ClinVar's aggregate classification.

Joint Genome Diagnostic Labs from Nijmegen and Maastricht, Radboudumc and MUMC+
Classification: Likely benign. Review status: no assertion criteria provided. Collection method: clinical testing. Allele origin: germline. Affected: yes. Study: VKGL Data-share Consensus. Not counted in ClinVar's aggregate classification.

Literature cited by the submitters: PubMed 25382762 (cited by Quest Diagnostics Nichols Institute San Juan Capistrano and Women's Health and Genetics/Laboratory Corporation of America, LabCorp); PubMed 21520273 (cited by Quest Diagnostics Nichols Institute San Juan Capistrano and Women's Health and Genetics/Laboratory Corporation of America, LabCorp); PubMed 20104584 (cited by 4 submitters); PubMed 19043619 (cited by 3 submitters); PubMed 33471991 (cited by Quest Diagnostics Nichols Institute San Juan Capistrano); PubMed 37922907 (cited by Women's Health and Genetics/Laboratory Corporation of America, LabCorp).